The following is an entry in ClinVar:

ClinVar aggregate classification (germline): Uncertain significance (1 of 4 stars; one submission).

Allele frequency attached by ClinVar (database versions not stated): gnomAD 0.00001.
gnomAD v4.1: 1 of 1,607,444 alleles (0.000062%); highest among the groups gnomAD compares: Non-Finnish European, 0.000085%; no homozygotes.

Submission:

GeneDx
Classification: Uncertain significance. Last evaluated: 2018-02-27. Review status: criteria provided, single submitter. Criteria: GeneDx Variant Classification (06012015). Collection method: clinical testing. Allele origin: germline. Affected: yes.
Comment: The c.7926+5 G>A variant has not been published as a pathogenic variant, nor has it been reported as a benign variant to our knowledge. This variant is not observed in large population cohorts (Lek et al., 2016). Multiple in-silico algorithms predict that c.7926+5 G>A may weaken the natural splice donor site for intron 49 and lead to abnormal gene splicing. However, in the absence of RNA/functional studies, the actual effect of this sequence change in this individual is unknown.

NM_000540.3(RYR1):c.7926+5G>A

Gene: RYR1 (ryanodine receptor 1; plus strand). Cytogenetic location: 19q13.2.
Variant type: single nucleotide variant.
Coding change: c.7926+5G>A on transcript NM_000540.3 (MANE Select); 5 bases into the intron after coding-DNA position 7926, G replaced by A.
Molecular consequence: intron variant.
Genome position (GRCh38, 1-based): chr19:38,502,975, G>A. VCF-style: chr19-38502975-G-A. GRCh37 (hg19) VCF-style: chr19-38993615-G-A.
Other names: c.7926+5G>A (NM_001042723.2).
Identifiers: ClinVar variation 504374 (VCV000504374.2), dbSNP rs1555784807, ClinGen allele CA658799202.